The following is an entry in ClinVar:

NM_000057.4(BLM):c.434C>G (p.Pro145Arg)

Gene: BLM (BLM RecQ like helicase; plus strand). Cytogenetic location: 15q26.1.
Variant type: single nucleotide variant.
Coding change: c.434C>G on transcript NM_000057.4 (MANE Select); coding-DNA position 434, C replaced by G.
Protein change: p.Pro145Arg; replaces proline 145 with arginine.
Molecular consequence: missense variant. On other transcripts: 5 prime UTR variant (1).
Genome position (GRCh38, 1-based): chr15:90,749,702, C>G. VCF-style: chr15-90749702-C-G. GRCh37 (hg19) VCF-style: chr15-91292932-C-G.
Other names: c.434C>G, p.Pro145Arg (NM_001287246.2, NM_001287247.2); c.-858C>G (NM_001287248.2); short protein forms P145R.
Identifiers: ClinVar variation 1018493 (VCV001018493.10), dbSNP rs1895616094, ClinGen allele CA393840541.

ClinVar aggregate classification (germline): Uncertain significance (1 of 4 stars; one submission).

Conditions:
Bloom syndrome (BLM). Also called: Bloom-Torre-Machacek syndrome. Identifiers: Orphanet 125, MedGen C0005859, MONDO:0008876, OMIM 210900.

Submission:

Labcorp Genetics (formerly Invitae), Labcorp
Classification: Uncertain significance for Bloom syndrome. Last evaluated: 2020-02-06. Review status: criteria provided, single submitter. Criteria: Invitae Variant Classification Sherloc (09022015). Collection method: clinical testing. Allele origin: germline.
Comment: In summary, the available evidence is currently insufficient to determine the role of this variant in disease. Therefore, it has been classified as a Variant of Uncertain Significance. Algorithms developed to predict the effect of missense changes on protein structure and function (SIFT, PolyPhen-2, Align-GVGD) all suggest that this variant is likely to be tolerated, but these predictions have not been confirmed by published functional studies and their clinical significance is uncertain. This variant has not been reported in the literature in individuals with BLM-related conditions. This variant is not present in population databases (ExAC no frequency). This sequence change replaces proline with arginine at codon 145 of the BLM protein (p.Pro145Arg). The proline residue is weakly conserved and there is a moderate physicochemical difference between proline and arginine.